The following is an entry in ClinVar:

NM_000256.3(MYBPC3):c.3327del (p.Met1110fs)

Gene: MYBPC3 (myosin binding protein C3; minus strand). Cytogenetic location: 11p11.2.
Variant type: Deletion.
Coding change: c.3327del on transcript NM_000256.3 (MANE Select); coding-DNA position 3327, one base deleted (C; older notation c.3327delC).
Protein change: p.Met1110fs; shifts the reading frame from methionine 1110.
Molecular consequence: frameshift variant.
Genome position (GRCh38, 1-based): chr11:47,333,197, G deleted on the plus strand (C on the coding strand, the reverse complement: MYBPC3 is on the minus strand); the first of 2 consecutive G bases (chr11:47,333,197-47,333,198); deleting either gives the same sequence. VCF-style (leftmost placement, unchanged base first): chr11-47333196-TG-T. GRCh37 (hg19) VCF-style: chr11-47354747-TG-T.
Other names: c.3327del, p.Met1110fs (LRG_386t1); c.3327delC (NM_000256.3); short protein forms M1110fs.
Identifiers: ClinVar variation 181155 (VCV000181155.5), dbSNP rs730880719, ClinGen allele CA013926.

ClinVar aggregate classification (germline): Pathogenic. Review status: criteria provided, multiple submitters, no conflicts (2 of 4 stars). 3 submissions from 3 submitters: Pathogenic (3). Last evaluated 2026-04-22.

Conditions:
Cardiovascular phenotype. Identifiers: MedGen CN230736.
Cardiomyopathy (CMYO). Also called: Cardiomyopathies. Identifiers: Orphanet 167848, MedGen C0878544, MONDO:0004994, HP:0001638. Inheritance: Various modes of inheritance.
Hypertrophic cardiomyopathy 4. Also called: Familial hypertrophic cardiomyopathy 4. Identifiers: MedGen C1861862, MONDO:0007268, OMIM 115197.

Submissions (3):

Molecular Diagnostic Laboratory for Inherited Cardiovascular Disease, Montreal Heart Institute
Classification: Pathogenic for Cardiovascular phenotype. Last evaluated: 2026-04-22. Review status: criteria provided, single submitter. Criteria: ACMG Guidelines, 2015. Collection method: clinical testing. Allele origin: germline. Affected: yes.
Comment: PVS1, PS4_supp, PM2

Victorian Clinical Genetics Services, Murdoch Childrens Research Institute
Classification: Pathogenic for Hypertrophic cardiomyopathy 4. Last evaluated: 2022-03-31. Review status: criteria provided, single submitter. Criteria: ACMG Guidelines, 2015. Collection method: clinical testing. Allele origin: germline. Inheritance: Autosomal dominant inheritance.
Comment: Based on the classification scheme VCGS_Germline_v1.3.4, this variant is classified as Pathogenic. Following criteria are met: 0102 - Loss of function is a known mechanism of disease in this gene and is associated with hypertrophic cardiomyopathy 4 (HCM; MIM#115197). (I) 0108 - This gene is associated with both recessive and dominant disease. Dominant inheritance is frequently reported in adult onset conditions, however recessive inheritance results in a more severe early onset phenotype (OMIM). (I) 0115 - Variants in this gene are known to have variable expressivity (PMID: 32841044). (I) 0201 - Variant is predicted to cause nonsense-mediated decay (NMD) and loss of protein (premature termination codon is located at least 54 nucleotides upstream of the final exon-exon junction). (SP) 0251 - This variant is heterozygous. (I) 0301 - Variant is absent from gnomAD (both v2 and v3). (SP) 0701 - Other NMD-predicted variants comparable to the one identified in this case have very strong previous evidence for pathogenicity (DECIPHER). (SP) 0801 - This variant has strong previous evidence of pathogenicity in unrelated individuals. This variant has been classified as pathogenic, and observed in individuals with hypertrophic cardiomyopathy (PMID: 32268277, PMID: 28771489, ClinVar). (SP) 1208 - Inheritance information for this variant is not currently available in this individual. (I) Legend: (SP) - Supporting pathogenic, (I) - Information, (SB) - Supporting benign

GeneDx
Classification: Pathogenic for Cardiomyopathy. Last evaluated: 2011-12-20. Review status: criteria provided, single submitter. Criteria: GeneDx Variant Classification (06012015). Collection method: clinical testing. Allele origin: germline. Affected: yes.
Comment: A deletion of a single “C” nucleotide in exon 30 of the MYBPC3 gene. The normal sequence with the base that is deleted in braces is: AGAC{C}ATGG. This mutation is denoted c.3327delC at the cDNA level or p.Met1110TrpfsX79 at the protein level. The c.3327delC mutation in the MYBPC3 gene causes a shift in reading frame at codon Methionine 1110, changing it to a Tryptophan, and creates a premature Stop codon at position 79 of the new reading frame. Although this mutation has not been reported previously to our knowledge, it is expected to result in an abnormal, truncated protein or in absence of protein from this allele due to mRNA decay, and therefore is interpreted to be a disease-causing mutation.The variant is found in HCM panel(s).

Literature cited by the submitters: PubMed 28771489 (cited by Victorian Clinical Genetics Services, Murdoch Childrens Research Institute); PubMed 32268277 (cited by Victorian Clinical Genetics Services, Murdoch Childrens Research Institute); PubMed 32841044 (cited by Victorian Clinical Genetics Services, Murdoch Childrens Research Institute).